The following is an entry in ClinVar:

ClinVar aggregate classification (germline): Likely benign. Review status: criteria provided, multiple submitters, no conflicts (2 of 4 stars). 3 submissions from 3 submitters: Likely benign (2). 1 of the submissions does not count toward it. Last evaluated 2026-01-17.

Conditions:
CCDC88C-related disorder. Also called: CCDC88C-Related Disorders; CCDC88C-related condition.

Allele frequency attached by ClinVar (database versions not stated): gnomAD exomes 0.00004; ExAC 0.00006; TOPMed 0.00007; ESP Exome Variant Server 0.00008; gnomAD 0.00009; 1000 Genomes Project 30x 0.00016; 1000 Genomes Project 0.00020.
gnomAD v4.1: 95 of 1,598,780 alleles (0.0059%); highest among the groups gnomAD compares: Middle Eastern, 0.05%; 1 homozygote.

Submissions (3):

Labcorp Genetics (formerly Invitae), Labcorp
Classification: Likely benign. Last evaluated: 2026-01-17. Review status: criteria provided, single submitter. Criteria: Invitae Variant Classification Sherloc (09022015). Collection method: clinical testing. Allele origin: germline.

Mayo Clinic Laboratories, Mayo Clinic
Classification: Likely benign. Last evaluated: 2025-11-06. Review status: criteria provided, single submitter. Criteria: ACMG Guidelines, 2015. Collection method: clinical testing. Allele origin: germline. Observed: 1 variant allele.
Comment: BP4, BP7

PreventionGenetics, part of Exact Sciences
Classification: Likely benign for CCDC88C-related condition. Last evaluated: 2019-03-01. Review status: no assertion criteria provided. Collection method: clinical testing. Allele origin: germline. Not counted in ClinVar's aggregate classification.
Comment: This variant is classified as likely benign based on ACMG/AMP sequence variant interpretation guidelines (Richards et al. 2015 PMID: 25741868, with internal and published modifications).

NM_001080414.4(CCDC88C):c.4704G>A (p.Ser1568=)

Gene: CCDC88C (coiled-coil and HOOK domain protein 88C; minus strand). Cytogenetic location: 14q32.11.
Variant type: single nucleotide variant.
Coding change: c.4704G>A on transcript NM_001080414.4 (MANE Select); coding-DNA position 4704, G replaced by A.
Protein change: p.Ser1568=; no amino-acid change (serine 1568 retained).
Molecular consequence: synonymous variant.
Genome position (GRCh38, 1-based): chr14:91,279,302, C>T on the plus strand (G>A on the coding strand, the complement: CCDC88C is on the minus strand). VCF-style: chr14-91279302-C-T. GRCh37 (hg19) VCF-style: chr14-91745646-C-T.
Other names: p.Ser1568=; c.4704G>A (NM_001080414.3).
Identifiers: ClinVar variation 2716165 (VCV002716165.6), dbSNP rs371969147, ClinGen allele CA7308863.